The following is an entry in ClinVar:

ClinVar aggregate classification (germline): Benign/Likely benign. Review status: criteria provided, multiple submitters, no conflicts (2 of 4 stars). 7 submissions from 7 submitters: Benign (1); Likely benign (5). 1 of the submissions does not count toward it. Last evaluated 2026-02-01.

Conditions:
Hypertrophic cardiomyopathy 14. Identifiers: MedGen C2750467, MONDO:0013197, OMIM 613251.
Cardiovascular phenotype. Identifiers: MedGen CN230736.
Hypertrophic cardiomyopathy 1 (CMH1). Also called: MYH7-Related Familial Hypertrophic Cardiomyopathy; Familial hypertrophic cardiomyopathy 1. Identifiers: MedGen C3495498, MONDO:0008647, OMIM 192600.
Sick sinus syndrome 3, susceptibility to (SSS3). Identifiers: Orphanet 166282, MedGen C3279791, MONDO:0013568, OMIM 614090.
Dilated cardiomyopathy 1EE (CMD1EE). Identifiers: Orphanet 154, MedGen C2750466, MONDO:0013198, OMIM 613252.
Atrial septal defect 3 (ASD3). Identifiers: Orphanet 1478, MedGen C3279790, MONDO:0013567, OMIM 614089.
MYH6-related disorder. Also called: MYH6-related condition; MYH6-Related Disorders.

Allele frequency attached by ClinVar (database versions not stated): gnomAD exomes 0.00010; ExAC 0.00014; ESP Exome Variant Server 0.00015; gnomAD 0.00016; 1000 Genomes Project 0.00020; 1000 Genomes Project 30x 0.00031.
gnomAD v4.1: 129 of 1,614,116 alleles (0.008%); highest among the groups gnomAD compares: South Asian, 0.074%; no homozygotes.

Submissions (7):

Labcorp Genetics (formerly Invitae), Labcorp
Classification: Likely benign for Hypertrophic cardiomyopathy 14. Last evaluated: 2026-02-01. Review status: criteria provided, single submitter. Criteria: Invitae Variant Classification Sherloc (09022015). Collection method: clinical testing. Allele origin: germline.

Blueprint Genetics
Classification: Likely benign. Last evaluated: 2024-05-03. Review status: criteria provided, single submitter. Criteria: ACMG Guidelines, 2015. Collection method: clinical testing. Allele origin: germline.

Fulgent Genetics
Classification: Likely benign for Hypertrophic cardiomyopathy 1; Hypertrophic cardiomyopathy 14; Dilated cardiomyopathy 1EE; Atrial septal defect 3; Sick sinus syndrome 3, susceptibility to. Last evaluated: 2021-08-12. Review status: criteria provided, single submitter. Criteria: ACMG Guidelines, 2015. Collection method: clinical testing. Allele origin: unknown.

Women's Health and Genetics/Laboratory Corporation of America, LabCorp
Classification: Benign. Last evaluated: 2019-01-31. Review status: criteria provided, single submitter. Criteria: LabCorp Variant Classification Summary - May 2015. Collection method: clinical testing. Allele origin: germline.
Comment: Variant summary: MYH6 c.4812T>C alters a non-conserved nucleotide resulting in a synonymous change. 5/5 computational tools predict no significant impact on normal splicing. However, these predictions have yet to be confirmed by functional studies. The variant allele was found at a frequency of 0.00011 in 277172 control chromosomes, predominantly at a frequency of 0.00052 within the South Asian subpopulation in the gnomAD database. The observed variant frequency within South Asian control individuals in the gnomAD database is approximately 21 fold of the estimated maximal expected allele frequency for a pathogenic variant in MYH6 causing Cardiomyopathy phenotype (2.5e-05), strongly suggesting that the variant is a benign polymorphism found primarily in populations of South Asian origin. To our knowledge, no occurrence of c.4812T>C in individuals affected with Cardiomyopathy and no experimental evidence demonstrating its impact on protein function have been reported. A ClinVar submission from a clinical diagnostic laboratory (evaluation after 2014) cites the variant as likely benign. Based on the evidence outlined above, the variant was classified as benign.

Ambry Genetics
Classification: Likely benign for Cardiovascular phenotype. Last evaluated: 2018-10-31. Review status: criteria provided, single submitter. Criteria: Ambry Variant Classification Scheme 2023. Collection method: clinical testing. Allele origin: germline.

GeneDx
Classification: Likely benign. Last evaluated: 2017-06-23. Review status: criteria provided, single submitter. Criteria: GeneDx Variant Classification (06012015). Collection method: clinical testing. Allele origin: germline. Affected: yes.
Comment: This variant is considered likely benign or benign based on one or more of the following criteria: it is a conservative change, it occurs at a poorly conserved position in the protein, it is predicted to be benign by multiple in silico algorithms, and/or has population frequency not consistent with disease.

PreventionGenetics, part of Exact Sciences
Classification: Likely benign for MYH6-related condition. Last evaluated: 2021-05-05. Review status: no assertion criteria provided. Collection method: clinical testing. Allele origin: germline. Not counted in ClinVar's aggregate classification.
Comment: This variant is classified as likely benign based on ACMG/AMP sequence variant interpretation guidelines (Richards et al. 2015 PMID: 25741868, with internal and published modifications).

NM_002471.4(MYH6):c.4812T>C (p.Asp1604=)

Genes: MYH6 (myosin heavy chain 6; minus strand), LOC126861896 (BRD4-independent group 4 enhancer GRCh37_chr14:23854904-23856103; plus strand). Cytogenetic location: 14q11.2.
Variant type: single nucleotide variant.
Coding change: c.4812T>C on transcript NM_002471.4 (MANE Select); coding-DNA position 4812, T replaced by C.
Protein change: p.Asp1604=; no amino-acid change (aspartic acid 1604 retained).
Molecular consequence: synonymous variant.
Genome position (GRCh38, 1-based): chr14:23,386,462, A>G on the plus strand (T>C on the coding strand, the complement: MYH6 is on the minus strand). VCF-style: chr14-23386462-A-G. GRCh37 (hg19) VCF-style: chr14-23855671-A-G.
Identifiers: ClinVar variation 518175 (VCV000518175.17), dbSNP rs201667127, ClinGen allele CA7114634.
Genomic context (GRCh38, chr14:23,386,462, plus strand): 5'-GAGGTCTCCTTCCATCTTCTTCTTCACCCTCAGGACCTCGTTGCGGCTGCGTGTCTCTGC[A>G]TCCAGGGAGGTCTGCAGCGAGTCCACCACCCGCTGGTGGTTGCGCTTGGCCTGTTCCATC-3'
Protein context (NP_002462.2, residues 1594-1614): RVVDSLQTSL[Asp1604=]AETRSRNEVL